The following is an entry in ClinVar:

NM_004247.4(EFTUD2):c.133G>A (p.Val45Ile)

Gene: EFTUD2 (elongation factor Tu GTP binding domain containing 2; minus strand). Cytogenetic location: 17q21.31.
Variant type: single nucleotide variant.
Coding change: c.133G>A on transcript NM_004247.4 (MANE Select); coding-DNA position 133, G replaced by A.
Protein change: p.Val45Ile; replaces valine 45 with isoleucine.
Molecular consequence: missense variant.
Genome position (GRCh38, 1-based): chr17:44,886,723, C>T on the plus strand (G>A on the coding strand, the complement: EFTUD2 is on the minus strand). VCF-style: chr17-44886723-C-T. GRCh37 (hg19) VCF-style: chr17-42964091-C-T.
Other names: c.28G>A, p.Val10Ile (NM_001142605.2); c.133G>A, p.Val45Ile (NM_001258353.2, NM_001258354.2); short protein forms V45I, V10I.
Identifiers: ClinVar variation 259252 (VCV000259252.38), dbSNP rs150335245, ClinGen allele CA8608192.
Genomic context (GRCh38, chr17:44,886,723, plus strand): 5'-ACTTCTTGTCCTCATGCAGCACCACCTCCATCCCAGGGTGGTCATCGTCATGATCTCCTA[C>T]GTCATCGTCGTCGTCATCATCATCCATCTGAAAGCAAGAGGGAGAGGGAGAATCGAAGAG-3'
Protein context (NP_004238.3, residues 35-55): EMDDDDDDDD[Val45Ile]GDHDDDHPGM

ClinVar aggregate classification (germline): Benign/Likely benign. Review status: criteria provided, multiple submitters, no conflicts (2 of 4 stars). 6 submissions from 6 submitters: Benign (2); Likely benign (4). Last evaluated 2025-12-05.

Allele frequency attached by ClinVar (database versions not stated): gnomAD exomes 0.00011 and 0.00028; ExAC 0.00041; 1000 Genomes Project 0.00060; 1000 Genomes Project 30x 0.00078; gnomAD 0.00079 and 0.00089; TOPMed 0.00087; ESP Exome Variant Server 0.00161.
gnomAD v4.1: 293 of 1,613,914 alleles (0.018%); highest among the groups gnomAD compares: African/African-American, 0.28%; no homozygotes.

Submissions (6):

Labcorp Genetics (formerly Invitae), Labcorp
Classification: Likely benign. Last evaluated: 2025-12-05. Review status: criteria provided, single submitter. Criteria: Invitae Variant Classification Sherloc (09022015). Collection method: clinical testing. Allele origin: germline.

Blueprint Genetics
Classification: Likely benign. Last evaluated: 2024-11-20. Review status: criteria provided, single submitter. Criteria: ACMG Guidelines, 2015. Collection method: clinical testing. Allele origin: germline.

CeGaT Center for Human Genetics Tuebingen
Classification: Benign. Last evaluated: 2022-08-01. Review status: criteria provided, single submitter. Criteria: CeGaT Center For Human Genetics Tuebingen Variant Classification Criteria Version 2. Collection method: clinical testing. Allele origin: germline. Affected: yes. Observed: 1 variant allele.
Comment: EFTUD2: BS1, BS2

GeneDx
Classification: Benign. Last evaluated: 2019-07-19. Review status: criteria provided, single submitter. Criteria: GeneDx Variant Classification Process June 2021. Collection method: clinical testing. Allele origin: germline. Affected: yes.

Breakthrough Genomics
Classification: Likely benign. Review status: criteria provided, single submitter. Criteria: ACMG Guidelines, 2015. Collection method: not provided. Allele origin: germline. Inheritance: Autosomal dominant inheritance. Affected: yes.

PreventionGenetics, part of Exact Sciences
Classification: Likely benign. Review status: criteria provided, single submitter. Criteria: ACMG Guidelines, 2015. Collection method: clinical testing. Allele origin: germline.